The following is an entry in ClinVar:

NM_001134407.3(GRIN2A):c.1123G>A (p.Val375Met)

Gene: GRIN2A (glutamate ionotropic receptor NMDA type subunit 2A; minus strand). Cytogenetic location: 16p13.2.
Variant type: single nucleotide variant.
Coding change: c.1123G>A on transcript NM_001134407.3 (MANE Select); coding-DNA position 1123, G replaced by A.
Protein change: p.Val375Met; replaces valine 375 with methionine.
Molecular consequence: missense variant.
Genome position (GRCh38, 1-based): chr16:9,849,961, C>T on the plus strand (G>A on the coding strand, the complement: GRIN2A is on the minus strand). VCF-style: chr16-9849961-C-T. GRCh37 (hg19) VCF-style: chr16-9943818-C-T.
Other names: c.1123G>A, p.Val375Met (NM_000833.5, NM_001134408.2); short protein forms V375M.
Identifiers: ClinVar variation 423933 (VCV000423933.7), dbSNP rs746834456, ClinGen allele CA7896795.

ClinVar aggregate classification (germline): Uncertain significance. Review status: criteria provided, multiple submitters, no conflicts (2 of 4 stars). 2 submissions from 2 submitters: Uncertain significance (2). Last evaluated 2024-06-04.

Conditions:
Landau-Kleffner syndrome (FESD). Also called: EPILEPSY, FOCAL, WITH SPEECH DISORDER AND WITH OR WITHOUT MENTAL RETARDATION; APHASIA, ACQUIRED, WITH EPILEPSY. Identifiers: Orphanet 1945, Orphanet 725, Orphanet 98818, MedGen C0282512, MONDO:0009509, OMIM 245570.

Allele frequency attached by ClinVar (database versions not stated): gnomAD 0.00001; gnomAD exomes below 0.00001; ExAC 0.00001; TOPMed 0.00001.
gnomAD v4.1: 2 of 1,613,018 alleles (0.00012%); highest among the groups gnomAD compares: Non-Finnish European, 0.000085%; no homozygotes.

Submissions (2):

Labcorp Genetics (formerly Invitae), Labcorp
Classification: Uncertain significance for Landau-Kleffner syndrome. Last evaluated: 2024-06-04. Review status: criteria provided, single submitter. Criteria: Invitae Variant Classification Sherloc (09022015). Collection method: clinical testing. Allele origin: germline.
Comment: This sequence change replaces valine, which is neutral and non-polar, with methionine, which is neutral and non-polar, at codon 375 of the GRIN2A protein (p.Val375Met). This variant is present in population databases (rs746834456, gnomAD 0.01%). This variant has not been reported in the literature in individuals affected with GRIN2A-related conditions. This missense change has been observed in at least one individual who was not affected with GRIN2A-related conditions (Invitae). ClinVar contains an entry for this variant (Variation ID: 423933). An algorithm developed to predict the effect of missense changes on protein structure and function (PolyPhen-2) suggests that this variant is likely to be tolerated. In summary, the available evidence is currently insufficient to determine the role of this variant in disease. Therefore, it has been classified as a Variant of Uncertain Significance.

GeneDx
Classification: Uncertain significance. Last evaluated: 2017-02-28. Review status: criteria provided, single submitter. Criteria: GeneDx Variant Classification (06012015). Collection method: clinical testing. Allele origin: germline. Affected: yes.
Comment: A variant of uncertain significance has been identified in the GRIN2A gene. The V375M variant has not been published as a pathogenic variant, nor has it been reported as a benign variant to our knowledge. The V375M variant is not observed at a significant frequency in large population cohorts (Lek et al., 2016; 1000 Genomes Consortium et al., 2015; Exome Variant Server). The V375M variant is a conservative amino acid substitution, which is not likely to impact secondary protein structure as these residues share similar properties. This substitution occurs at a position where amino acids with similar properties to Valine are tolerated across species. However, in silico analysis is inconsistent in its predictions as to whether or not the variant is damaging to the protein structure/function. Therefore, based on the currently available information, it is unclear whether this variant is a pathogenic variant or a rare benign variant.